The following is an entry in ClinVar:

ClinVar aggregate classification (germline): Likely benign. Review status: criteria provided, multiple submitters, no conflicts (2 of 4 stars). 2 submissions from 2 submitters: Likely benign (2). Last evaluated 2025-12-10.

Conditions:
POLD1-related polyposis and colorectal cancer syndrome (CRCS10). Also called: Colorectal cancer, susceptibility to, 10; Colorectal cancer 10; COLORECTAL CANCER, SUSCEPTIBILITY TO, ON CHROMOSOME 19q. Identifiers: Orphanet 220460, MedGen C2675481, MONDO:0012953, OMIM 612591.

Allele frequency attached by ClinVar (database versions not stated): gnomAD exomes below 0.00001.
gnomAD v4.1: 3 of 1,522,410 alleles (0.0002%); highest among the groups gnomAD compares: Non-Finnish European, 0.00018%; no homozygotes.

Submissions (2):

Labcorp Genetics (formerly Invitae), Labcorp
Classification: Likely benign for POLD1-related polyposis and colorectal cancer syndrome. Last evaluated: 2025-12-10. Review status: criteria provided, single submitter. Criteria: Invitae Variant Classification Sherloc (09022015). Collection method: clinical testing. Allele origin: germline.

GeneDx
Classification: Likely benign. Last evaluated: 2016-05-31. Review status: criteria provided, single submitter. Criteria: GeneDx Variant Classification (06012015). Collection method: clinical testing. Allele origin: germline. Affected: yes.
Comment: This variant is considered likely benign or benign based on one or more of the following criteria: it is a conservative change, it occurs at a poorly conserved position in the protein, it is predicted to be benign by multiple in silico algorithms, and/or has population frequency not consistent with disease.

NM_002691.4(POLD1):c.2389-8C>T

Gene: POLD1 (DNA polymerase delta 1, catalytic subunit; plus strand). Cytogenetic location: 19q13.33.
Variant type: single nucleotide variant.
Coding change: c.2389-8C>T on transcript NM_002691.4 (MANE Select); 8 bases into the intron before coding-DNA position 2389, C replaced by T.
Molecular consequence: intron variant.
Genome position (GRCh38, 1-based): chr19:50,414,807, C>T. VCF-style: chr19-50414807-C-T. GRCh37 (hg19) VCF-style: chr19-50918064-C-T.
Other names: c.2389-8C>T (LRG_785t1, NM_001256849.1); c.2467-8C>T (LRG_785t2, NM_001308632.1).
Identifiers: ClinVar variation 386693 (VCV000386693.8), dbSNP rs1057522575, ClinGen allele CA16608366.